The following is an entry in ClinVar:

ClinVar aggregate classification (germline): Uncertain significance (1 of 4 stars; one submission).

Submission:

Dasa
Classification: Uncertain significance. Last evaluated: 2025-06-29. Review status: criteria provided, single submitter. Criteria: DASA Assertion Criteria. Collection method: clinical testing. Allele origin: germline.
Comment: NM_001098816.3(TENM4):c.7367A>G (p.Asn2456Ser) is a missense variant that results in the substitution of asparagine with serine. This variant is absent from population databases. The currently available literature and clinical evidence are not sufficient to establish a definitive association between this variant and the reported condition. Therefore, this variant is classified as a variant of uncertain significance.

NM_001098816.3(TENM4):c.7367A>G (p.Asn2456Ser)

Gene: TENM4 (teneurin transmembrane protein 4; minus strand). Cytogenetic location: 11q14.1.
Variant type: single nucleotide variant.
Coding change: c.7367A>G on transcript NM_001098816.3 (MANE Select); coding-DNA position 7367, A replaced by G.
Protein change: p.Asn2456Ser; replaces asparagine 2456 with serine.
Molecular consequence: missense variant.
Genome position (GRCh38, 1-based): chr11:78,668,978, T>C on the plus strand (A>G on the coding strand, the complement: TENM4 is on the minus strand). VCF-style: chr11-78668978-T-C. GRCh37 (hg19) VCF-style: chr11-78380023-T-C.
Other names: short protein forms N2456S.
Identifiers: ClinVar variation 4882659 (VCV004882659.2).